The following is an entry in ClinVar:

ClinVar aggregate classification (germline): Uncertain significance. Review status: criteria provided, multiple submitters, no conflicts (2 of 4 stars). 3 submissions from 3 submitters: Uncertain significance (3). Last evaluated 2026-01-28.

Conditions:
Hypertrophic cardiomyopathy 1 (CMH1). Also called: Familial hypertrophic cardiomyopathy 1; MYH7-Related Familial Hypertrophic Cardiomyopathy. Identifiers: MedGen C3495498, MONDO:0008647, OMIM 192600.

Allele frequency attached by ClinVar (database versions not stated): gnomAD 0.00001; TOPMed 0.00001; ExAC 0.00003; gnomAD exomes 0.00003; 1000 Genomes Project 0.00020; 1000 Genomes Project 30x 0.00031.
gnomAD v4.1: 19 of 1,607,774 alleles (0.0012%); highest among the groups gnomAD compares: Admixed American, 0.0068%; no homozygotes.

Submissions (3):

Labcorp Genetics (formerly Invitae), Labcorp
Classification: Uncertain significance for Hypertrophic cardiomyopathy 1. Last evaluated: 2026-01-28. Review status: criteria provided, single submitter. Criteria: Invitae Variant Classification Sherloc (09022015). Collection method: clinical testing. Allele origin: germline.
Comment: This sequence change replaces arginine, which is basic and polar, with cysteine, which is neutral and slightly polar, at codon 549 of the MYLK2 protein (p.Arg549Cys). This variant is present in population databases (rs540151040, gnomAD 0.009%). This variant has not been reported in the literature in individuals affected with MYLK2-related conditions. ClinVar contains an entry for this variant (Variation ID: 841111). An algorithm developed to predict the effect of missense changes on protein structure and function (PolyPhen-2) suggests that this variant is likely to be disruptive. In summary, the available evidence is currently insufficient to determine the role of this variant in disease. Therefore, it has been classified as a Variant of Uncertain Significance.

Ambry Genetics
Classification: Uncertain significance. Last evaluated: 2025-06-23. Review status: criteria provided, single submitter. Criteria: Ambry Variant Classification Scheme 2023. Collection method: clinical testing. Allele origin: germline.
Comment: The p.R549C variant (also known as c.1645C>T), located in coding exon 11 of the MYLK2 gene, results from a C to T substitution at nucleotide position 1645. The arginine at codon 549 is replaced by cysteine, an amino acid with highly dissimilar properties. This amino acid position is conserved. In addition, this alteration is predicted to be tolerated by in silico analysis. Since supporting evidence is limited at this time, the clinical significance of this alteration remains unclear.

Fulgent Genetics
Classification: Uncertain significance for Hypertrophic cardiomyopathy 1. Last evaluated: 2021-09-06. Review status: criteria provided, single submitter. Criteria: ACMG Guidelines, 2015. Collection method: clinical testing. Allele origin: unknown.

NM_033118.4(MYLK2):c.1645C>T (p.Arg549Cys)

Gene: MYLK2 (myosin light chain kinase 2; plus strand). Cytogenetic location: 20q11.21.
Variant type: single nucleotide variant.
Coding change: c.1645C>T on transcript NM_033118.4 (MANE Select); coding-DNA position 1645, C replaced by T.
Protein change: p.Arg549Cys; replaces arginine 549 with cysteine.
Molecular consequence: missense variant.
Genome position (GRCh38, 1-based): chr20:31,832,071, C>T. VCF-style: chr20-31832071-C-T. GRCh37 (hg19) VCF-style: chr20-30419874-C-T.
Other names: short protein forms R549C.
Identifiers: ClinVar variation 841111 (VCV000841111.12), dbSNP rs540151040, ClinGen allele CA9803283.